The following is an entry in ClinVar:

ClinVar aggregate classification (germline): Uncertain significance (1 of 4 stars; one submission).

Conditions:
Baller-Gerold syndrome (BGS). Also called: CRANIOSYNOSTOSIS WITH RADIAL DEFECTS. Identifiers: Orphanet 1225, MedGen C0265308, MONDO:0009039, OMIM 218600.

Allele frequency attached by ClinVar (database versions not stated): gnomAD 0.00001; TOPMed 0.00001.
gnomAD v4.1: 15 of 1,611,616 alleles (0.00093%); highest among the groups gnomAD compares: Non-Finnish European, 0.001%; no homozygotes.

Submission:

Labcorp Genetics (formerly Invitae), Labcorp
Classification: Uncertain significance for Baller-Gerold syndrome. Last evaluated: 2023-09-12. Review status: criteria provided, single submitter. Criteria: Invitae Variant Classification Sherloc (09022015). Collection method: clinical testing. Allele origin: germline.
Comment: This sequence change affects codon 920 of the RECQL4 mRNA. It is a 'silent' change, meaning that it does not change the encoded amino acid sequence of the RECQL4 protein. This variant is present in population databases (rs752058642, gnomAD 0.002%). This variant has not been reported in the literature in individuals affected with RECQL4-related conditions. ClinVar contains an entry for this variant (Variation ID: 652195). Algorithms developed to predict the effect of sequence changes on RNA splicing suggest that this variant may create or strengthen a splice site. In summary, the available evidence is currently insufficient to determine the role of this variant in disease. Therefore, it has been classified as a Variant of Uncertain Significance.

NM_004260.4(RECQL4):c.2760C>A (p.Ile920=)

Gene: RECQL4 (RecQ like helicase 4; minus strand). Cytogenetic location: 8q24.3.
Variant type: single nucleotide variant.
Coding change: c.2760C>A on transcript NM_004260.4 (MANE Select); coding-DNA position 2760, C replaced by A.
Protein change: p.Ile920=; no amino-acid change (isoleucine 920 retained).
Molecular consequence: synonymous variant.
Genome position (GRCh38, 1-based): chr8:144,512,767, G>T on the plus strand (C>A on the coding strand, the complement: RECQL4 is on the minus strand). VCF-style: chr8-144512767-G-T. GRCh37 (hg19) VCF-style: chr8-145738150-G-T.
Identifiers: ClinVar variation 652195 (VCV000652195.5), dbSNP rs752058642, ClinGen allele CA4948085.